The following is an entry in ClinVar:

ClinVar aggregate classification (germline): Uncertain significance. Review status: criteria provided, multiple submitters, no conflicts (2 of 4 stars). 2 submissions from 2 submitters: Uncertain significance (2). Last evaluated 2025-06-24.

Conditions:
Inborn genetic diseases. Identifiers: MedGen C0950123, MeSH D030342.
Paroxysmal nonkinesigenic dyskinesia. Also called: Paroxysmal non-kinesigenic dyskinesia. Identifiers: Orphanet 98810, MedGen C1869117, MONDO:0700088.

Allele frequency attached by ClinVar (database versions not stated): gnomAD 0.00001; gnomAD exomes 0.00001 and 0.00002; TOPMed 0.00001; ExAC 0.00005.
gnomAD v4.1: 16 of 1,588,908 alleles (0.001%); highest among the groups gnomAD compares: East Asian, 0.0023%; no homozygotes.

Submissions (2):

Ambry Genetics
Classification: Uncertain significance for Inborn genetic diseases. Last evaluated: 2025-06-24. Review status: criteria provided, single submitter. Criteria: Ambry Variant Classification Scheme 2023. Collection method: clinical testing. Allele origin: germline.

Labcorp Genetics (formerly Invitae), Labcorp
Classification: Uncertain significance for Paroxysmal nonkinesigenic dyskinesia. Last evaluated: 2020-06-17. Review status: criteria provided, single submitter. Criteria: Invitae Variant Classification Sherloc (09022015). Collection method: clinical testing. Allele origin: germline.
Comment: In summary, the available evidence is currently insufficient to determine the role of this variant in disease. Therefore, it has been classified as a Variant of Uncertain Significance. Algorithms developed to predict the effect of missense changes on protein structure and function are either unavailable or do not agree on the potential impact of this missense change (SIFT: "Tolerated"; PolyPhen-2: "Probably Damaging"; Align-GVGD: "Class C0"). This variant has not been reported in the literature in individuals with PNKD-related conditions. This variant is present in population databases (rs756826546, ExAC 0.01%). This sequence change replaces arginine with glutamine at codon 322 of the PNKD protein (p.Arg322Gln). The arginine residue is moderately conserved and there is a small physicochemical difference between arginine and glutamine.

NM_015488.5(PNKD):c.965G>A (p.Arg322Gln)

Genes: PNKD (PNKD metallo-beta-lactamase domain containing; plus strand), CATIP-AS2 (CATIP antisense RNA 2; minus strand). Cytogenetic location: 2q35.
Variant type: single nucleotide variant.
Coding change: c.965G>A on transcript NM_015488.5 (MANE Select); coding-DNA position 965, G replaced by A.
Protein change: p.Arg322Gln; replaces arginine 322 with glutamine.
Molecular consequence: missense variant.
Genome position (GRCh38, 1-based): chr2:218,344,551, G>A. VCF-style: chr2-218344551-G-A. GRCh37 (hg19) VCF-style: chr2-219209274-G-A.
Other names: c.893G>A, p.Arg298Gln (NM_022572.5); short protein forms R322Q, R298Q.
Identifiers: ClinVar variation 961374 (VCV000961374.10), dbSNP rs756826546, ClinGen allele CA2104164.